The following is an entry in ClinVar:

ClinVar aggregate classification (germline): Uncertain significance (1 of 4 stars; one submission).

Conditions:
Inborn genetic diseases. Identifiers: MedGen C0950123, MeSH D030342.

Submission:

Ambry Genetics
Classification: Uncertain significance for Inborn genetic diseases. Last evaluated: 2024-09-05. Review status: criteria provided, single submitter. Criteria: Ambry Variant Classification Scheme 2023. Collection method: clinical testing. Allele origin: germline.
Comment: The c.1079A>G (p.E360G) alteration is located in exon 11 (coding exon 11) of the FMR1 gene. This alteration results from an A to G substitution at nucleotide position 1079, causing the glutamic acid (E) at amino acid position 360 to be replaced by a glycine (G). This variant was not reported in population-based cohorts in the Genome Aggregation Database (gnomAD). This amino acid position is highly conserved in available vertebrate species. This alteration is predicted to be tolerated by in silico analysis. Based on insufficient or conflicting evidence, the clinical significance of this alteration remains unclear.

Literature cited by the submitters: PubMed 24690944.

NM_002024.6(FMR1):c.1079A>G (p.Glu360Gly)

Gene: FMR1 (fragile X messenger ribonucleoprotein 1; plus strand). Cytogenetic location: Xq27.3.
Variant type: single nucleotide variant.
Coding change: c.1079A>G on transcript NM_002024.6 (MANE Select); coding-DNA position 1079, A replaced by G.
Protein change: p.Glu360Gly; replaces glutamic acid 360 with glycine.
Molecular consequence: missense variant. On other transcripts: non-coding transcript variant (2).
Genome position (GRCh38, 1-based): chrX:147,937,554, A>G. VCF-style: chrX-147937554-A-G. GRCh37 (hg19) VCF-style: chrX-147019073-A-G.
Other names: c.1079A>G, p.Glu360Gly (NM_001185075.2, NM_001185076.2, NM_001185081.2 and 1 more transcripts); short protein forms E360G.
Identifiers: ClinVar variation 3516284 (VCV003516284.1).
Genomic context (GRCh38, chrX:147,937,554, plus strand): 5'-CCAATAATTCAAGGGTTGGACCTAATGCCCCAGAAGAAAAAAAACATTTAGATATAAAGG[A>G]AAACAGCACCCATTTTTCTCAACCTAACAGTACAAAAGTCCAGAGGGTAAGAATTACTTG-3'
Protein context (NP_002015.1, residues 350-370): PEEKKHLDIK[Glu360Gly]NSTHFSQPNS